The following is an entry in ClinVar:

NM_203447.4(DOCK8):c.4849C>G (p.Gln1617Glu)

Gene: DOCK8 (dedicator of cytokinesis 8; plus strand). Cytogenetic location: 9p24.3.
Variant type: single nucleotide variant.
Coding change: c.4849C>G on transcript NM_203447.4 (MANE Select); coding-DNA position 4849, C replaced by G.
Protein change: p.Gln1617Glu; replaces glutamine 1617 with glutamic acid.
Molecular consequence: missense variant.
Genome position (GRCh38, 1-based): chr9:433,938, C>G. VCF-style: chr9-433938-C-G. GRCh37 (hg19) VCF-style: chr9-433938-C-G.
Other names: c.4549C>G, p.Gln1517Glu (NM_001190458.2); c.4645C>G, p.Gln1549Glu (NM_001193536.2); short protein forms Q1517E, Q1549E, Q1617E.
Identifiers: ClinVar variation 2083211 (VCV002083211.4), dbSNP rs2537369139, ClinGen allele CA372767070.

ClinVar aggregate classification (germline): Uncertain significance (1 of 4 stars; one submission).

Conditions:
Combined immunodeficiency due to DOCK8 deficiency (HIES2). Also called: Hyper-IgE recurrent infection syndrome, autosomal recessive; HIES autosomal recessive; HYPER-IgE RECURRENT INFECTION SYNDROME 2, AUTOSOMAL RECESSIVE; DOCK8 Deficiency; HYPER-IgE SYNDROME 2, AUTOSOMAL RECESSIVE, WITH RECURRENT INFECTIONS. Identifiers: Orphanet 217390, MedGen C4722305, MONDO:0009478, OMIM 243700.

Submission:

Labcorp Genetics (formerly Invitae), Labcorp
Classification: Uncertain significance for Combined immunodeficiency due to DOCK8 deficiency. Last evaluated: 2022-07-06. Review status: criteria provided, single submitter. Criteria: Invitae Variant Classification Sherloc (09022015). Collection method: clinical testing. Allele origin: germline.
Comment: This sequence change replaces glutamine, which is neutral and polar, with glutamic acid, which is acidic and polar, at codon 1617 of the DOCK8 protein (p.Gln1617Glu). This variant is not present in population databases (gnomAD no frequency). In summary, the available evidence is currently insufficient to determine the role of this variant in disease. Therefore, it has been classified as a Variant of Uncertain Significance. Algorithms developed to predict the effect of missense changes on protein structure and function (SIFT, PolyPhen-2, Align-GVGD) all suggest that this variant is likely to be tolerated. This variant has not been reported in the literature in individuals affected with DOCK8-related conditions.